The following is an entry in ClinVar:

NM_002470.4(MYH3):c.800-5T>A

Gene: MYH3 (myosin heavy chain 3; minus strand). Cytogenetic location: 17p13.1.
Variant type: single nucleotide variant.
Coding change: c.800-5T>A on transcript NM_002470.4 (MANE Select); 5 bases into the intron before coding-DNA position 800, T replaced by A.
Molecular consequence: intron variant.
Genome position (GRCh38, 1-based): chr17:10,647,285, A>T on the plus strand (T>A on the coding strand, the complement: MYH3 is on the minus strand). VCF-style: chr17-10647285-A-T. GRCh37 (hg19) VCF-style: chr17-10550602-A-T.
Identifiers: ClinVar variation 321766 (VCV000321766.12), dbSNP rs755904046, ClinGen allele CA8393147.

ClinVar aggregate classification (germline): Conflicting classifications of pathogenicity. Review status: criteria provided, conflicting classifications (1 of 4 stars). 3 submissions from 2 submitters: Uncertain significance (1); Likely benign (2). Last evaluated 2024-02-23.

Conditions:
Distal arthrogryposis type 2B1 (DA2B1). Also called: Arthrogryposis multiplex congenita distal type II with craniofacial abnormalities. Identifiers: Orphanet 1147, MedGen C5193014, MONDO:0020820, OMIM 601680.
Freeman-Sheldon syndrome (DA2A). Also called: CRANIOCARPOTARSAL DYSPLASIA; CRANIOCARPOTARSAL DYSTROPHY; WHISTLING FACE-WINDMILL VANE HAND SYNDROME; Arthrogryposis, distal, type 2A (Freeman-Sheldon). Identifiers: Orphanet 2053, MedGen C0265224, MONDO:0008675, OMIM 193700.

Allele frequency attached by ClinVar (database versions not stated): gnomAD 0.00001; TOPMed 0.00001; ExAC 0.00002; gnomAD exomes 0.00002.
gnomAD v4.1: 28 of 1,613,884 alleles (0.0017%); highest among the groups gnomAD compares: Non-Finnish European, 0.0023%; no homozygotes.

Submissions (3):

Labcorp Genetics (formerly Invitae), Labcorp
Classification: Likely benign. Last evaluated: 2024-02-23. Review status: criteria provided, single submitter. Criteria: Invitae Variant Classification Sherloc (09022015). Collection method: clinical testing. Allele origin: germline.

Illumina Laboratory Services, Illumina
Classification: Likely benign for Freeman-Sheldon syndrome. Last evaluated: 2018-01-12. Review status: criteria provided, single submitter. Criteria: ICSL Variant Classification Criteria 13 December 2019. Collection method: clinical testing. Allele origin: germline.
Comment: This variant was observed in the ICSL laboratory as part of a predisposition screen in an ostensibly healthy population. It had not been previously curated by ICSL or reported in the Human Gene Mutation Database (HGMD: prior to June 1st, 2018), and was therefore a candidate for classification through an automated scoring system. Utilizing variant allele frequency, disease prevalence and penetrance estimates, and inheritance mode, an automated score was calculated to assess if this variant is too frequent to cause the disease. Based on the score and internal cut-off values, a variant classified as likely benign is not then subjected to further curation. The score for this variant resulted in a classification of likely benign for this disease.

Illumina Laboratory Services, Illumina
Classification: Uncertain significance for Distal arthrogryposis type 2B1. Last evaluated: 2018-01-12. Review status: criteria provided, single submitter. Criteria: ICSL Variant Classification Criteria 13 December 2019. Collection method: clinical testing. Allele origin: germline.